The following is an entry in ClinVar:

NM_001077350.3(NPRL3):c.890A>G (p.Gln297Arg)

Genes: HBA-LCR (alpha-globin locus control region; plus strand), NPRL3 (NPR3 like, GATOR1 complex subunit; minus strand). Cytogenetic location: 16p13.3.
Variant type: single nucleotide variant.
Coding change: c.890A>G on transcript NM_001077350.3 (MANE Select); coding-DNA position 890, A replaced by G.
Protein change: p.Gln297Arg; replaces glutamine 297 with arginine.
Molecular consequence: missense variant.
Genome position (GRCh38, 1-based): chr16:98,179, T>C on the plus strand (A>G on the coding strand, the complement: NPRL3 is on the minus strand). VCF-style: chr16-98179-T-C. GRCh37 (hg19) VCF-style: chr16-148177-T-C.
Other names: c.890A>G (NM_001077350.2); c.353A>G, p.Gln118Arg (NM_001039476.3); c.656A>G, p.Gln219Arg (NM_001243247.2); c.815A>G, p.Gln272Arg (NM_001243248.2, NM_001243249.2); short protein forms Q219R, Q272R, Q118R, Q297R.
Identifiers: ClinVar variation 4742096 (VCV004742096.2).

ClinVar aggregate classification (germline): Uncertain significance. Review status: criteria provided, multiple submitters, no conflicts (2 of 4 stars). 2 submissions from 2 submitters: Uncertain significance (2). Last evaluated 2025-08-14.

Conditions:
Epilepsy, familial focal, with variable foci 3 (FFEVF3). Identifiers: MedGen C4310708, MONDO:0014925, OMIM 617118.

Submissions (2):

GeneDx
Classification: Uncertain significance. Last evaluated: 2025-08-14. Review status: criteria provided, single submitter. Criteria: GeneDx Variant Classification Process June 2021. Collection method: clinical testing. Allele origin: germline. Affected: yes.
Comment: Not observed at significant frequency in large population cohorts (gnomAD); In silico analysis supports that this missense variant has a deleterious effect on protein structure/function; Has not been previously published as pathogenic or benign to our knowledge

Labcorp Genetics (formerly Invitae), Labcorp
Classification: Uncertain significance for Epilepsy, familial focal, with variable foci 3. Last evaluated: 2025-02-20. Review status: criteria provided, single submitter. Criteria: Invitae Variant Classification Sherloc (09022015). Collection method: clinical testing. Allele origin: germline.
Comment: This sequence change replaces glutamine, which is neutral and polar, with arginine, which is basic and polar, at codon 297 of the NPRL3 protein (p.Gln297Arg). This variant is not present in population databases (gnomAD no frequency). This variant has not been reported in the literature in individuals affected with NPRL3-related conditions. Invitae Evidence Modeling of protein sequence and biophysical properties (such as structural, functional, and spatial information, amino acid conservation, physicochemical variation, residue mobility, and thermodynamic stability) indicates that this missense variant is not expected to disrupt NPRL3 protein function with a negative predictive value of 80%. In summary, the available evidence is currently insufficient to determine the role of this variant in disease. Therefore, it has been classified as a Variant of Uncertain Significance.